The following is an entry in ClinVar:

NC_000017.10:g.(?_29661577)_(29663942_?)del

Gene: NF1 (neurofibromin 1; plus strand). Cytogenetic location: 17q11.2.
Variant type: Deletion.
Identifiers: ClinVar variation 3242871 (VCV003242871.1).

ClinVar aggregate classification (germline): Pathogenic (1 of 4 stars; one submission).

Conditions:
Neurofibromatosis, type 1 (NF1). Also called: VON RECKLINGHAUSEN DISEASE; Neurofibromatosis, type I; Peripheral type neurofibromatosis; NEUROFIBROMATOSIS, TYPE I, SOMATIC. Identifiers: Orphanet 636, MedGen C0027831, MONDO:0018975, OMIM 162200. Disease mechanism: loss of function.

Submission:

Labcorp Genetics (formerly Invitae), Labcorp
Classification: Pathogenic for Neurofibromatosis, type 1. Last evaluated: 2023-04-22. Review status: criteria provided, single submitter. Criteria: Invitae Variant Classification Sherloc (09022015). Collection method: clinical testing. Allele origin: unknown.
Comment: For these reasons, this variant has been classified as Pathogenic. This variant disrupts a region of the NF1 protein in which other variant(s) (p.Leu1954Pro) have been determined to be pathogenic (PMID: 30530636; Invitae). This suggests that this is a clinically significant region of the protein, and that variants that disrupt it are likely to be disease-causing. This variant has not been reported in the literature in individuals affected with NF1-related conditions. This variant is a gross deletion of the genomic region encompassing exon(s) 39-41 of the NF1 gene. This variant would be expected to be in-frame, preserving the integrity of the reading frame.

Literature cited by the submitters: PubMed 30530636.